The following is an entry in ClinVar:

ClinVar aggregate classification (germline): Conflicting classifications of pathogenicity. Review status: criteria provided, conflicting classifications (1 of 4 stars). 3 submissions from 3 submitters: Uncertain significance (2); Likely benign (1). Last evaluated 2024-01-22.

Conditions:
Mitochondrial hypertrophic cardiomyopathy with lactic acidosis due to MTO1 deficiency. Also called: CARDIOMYOPATHY, INFANTILE HYPERTROPHIC MITOCHONDRIAL, AND LACTIC ACIDOSIS; Combined oxidative phosphorylation deficiency 10. Identifiers: Orphanet 314637, MedGen C4749921, MONDO:0013865, OMIM 614702.
Inborn genetic diseases. Identifiers: MedGen C0950123, MeSH D030342.

Allele frequency attached by ClinVar (database versions not stated): TOPMed 0.00003; gnomAD 0.00001; gnomAD exomes 0.00001; ExAC 0.00001.

Submissions (3):

Ambry Genetics
Classification: Likely benign for Inborn genetic diseases. Last evaluated: 2024-01-22. Review status: criteria provided, single submitter. Criteria: Ambry Variant Classification Scheme 2023. Collection method: clinical testing. Allele origin: germline.

GeneDx
Classification: Uncertain significance. Last evaluated: 2022-10-03. Review status: criteria provided, single submitter. Criteria: GeneDx Variant Classification Process June 2021. Collection method: clinical testing. Allele origin: germline. Affected: yes.
Comment: Not observed at significant frequency in large population cohorts (gnomAD); In silico analysis supports that this missense variant does not alter protein structure/function; Has not been previously published as pathogenic or benign to our knowledge

Labcorp Genetics (formerly Invitae), Labcorp
Classification: Uncertain significance for Mitochondrial hypertrophic cardiomyopathy with lactic acidosis due to MTO1 deficiency. Last evaluated: 2022-06-20. Review status: criteria provided, single submitter. Criteria: Invitae Variant Classification Sherloc (09022015). Collection method: clinical testing. Allele origin: germline.
Comment: This sequence change replaces glutamic acid, which is acidic and polar, with glutamine, which is neutral and polar, at codon 691 of the MTO1 protein (p.Glu691Gln). This variant is present in population databases (rs748394297, gnomAD 0.002%). This variant has not been reported in the literature in individuals affected with MTO1-related conditions. ClinVar contains an entry for this variant (Variation ID: 1304939). Algorithms developed to predict the effect of missense changes on protein structure and function output the following: SIFT: "Tolerated"; PolyPhen-2: "Benign"; Align-GVGD: "Class C0". The glutamine amino acid residue is found in multiple mammalian species, which suggests that this missense change does not adversely affect protein function. In summary, the available evidence is currently insufficient to determine the role of this variant in disease. Therefore, it has been classified as a Variant of Uncertain Significance.

NM_012123.4(MTO1):c.2071G>C (p.Glu691Gln)

Gene: MTO1 (mitochondrial tRNA translation optimization 1; plus strand). Cytogenetic location: 6q13.
Variant type: single nucleotide variant.
Coding change: c.2071G>C on transcript NM_012123.4 (MANE Select); coding-DNA position 2071, G replaced by C.
Protein change: p.Glu691Gln; replaces glutamic acid 691 with glutamine.
Molecular consequence: missense variant.
Genome position (GRCh38, 1-based): chr6:73,500,727, G>C. VCF-style: chr6-73500727-G-C. GRCh37 (hg19) VCF-style: chr6-74210450-G-C.
Other names: c.2191G>C, p.Glu731Gln (NM_001123226.2); c.2146G>C, p.Glu716Gln (NM_133645.3); c.2191G>C (NM_001123226.1); short protein forms E691Q, E716Q, E731Q.
Identifiers: ClinVar variation 1304939 (VCV001304939.6), dbSNP rs748394297, ClinGen allele CA3889821.
Genomic context (GRCh38, chr6:73,500,727, plus strand): 5'-ATGAATGAATCATCCAAGACTGATCAATACTTATGTGATGCAGACAGACTTCAAGAGAGA[G>C]AGTTATAGCTTTCAATTCATAAAAGATTTTTAAAGAGCATATAAATAATTTGATCAATAC-3'
Protein context (NP_036255.2, residues 681-692): LCDADRLQER[Glu691Gln]L